The following is an entry in ClinVar:

ClinVar aggregate classification (germline): Uncertain significance (1 of 4 stars; one submission).

Conditions:
Charcot-Marie-Tooth disease axonal type 2Z. Also called: CHARCOT-MARIE-TOOTH DISEASE, AXONAL, AUTOSOMAL DOMINANT, TYPE 2Z; CHARCOT-MARIE-TOOTH NEUROPATHY, TYPE 2Z. Identifiers: Orphanet 466768, MedGen C5569025, MONDO:0014736, OMIM 616688.

Submission:

Labcorp Genetics (formerly Invitae), Labcorp
Classification: Uncertain significance for Charcot-Marie-Tooth disease axonal type 2Z. Last evaluated: 2024-03-08. Review status: criteria provided, single submitter. Criteria: Invitae Variant Classification Sherloc (09022015). Collection method: clinical testing. Allele origin: germline.
Comment: This sequence change replaces serine, which is neutral and polar, with arginine, which is basic and polar, at codon 76 of the MORC2 protein (p.Ser76Arg). This variant is not present in population databases (gnomAD no frequency). This variant has not been reported in the literature in individuals affected with MORC2-related conditions. An algorithm developed to predict the effect of missense changes on protein structure and function (PolyPhen-2) suggests that this variant is likely to be tolerated. In summary, the available evidence is currently insufficient to determine the role of this variant in disease. Therefore, it has been classified as a Variant of Uncertain Significance.

NM_001303256.3(MORC2):c.226A>C (p.Ser76Arg)

Gene: MORC2 (MORC family CW-type zinc finger 2; minus strand). Cytogenetic location: 22q12.2.
Variant type: single nucleotide variant.
Coding change: c.226A>C on transcript NM_001303256.3 (MANE Select); coding-DNA position 226, A replaced by C.
Protein change: p.Ser76Arg; replaces serine 76 with arginine.
Molecular consequence: missense variant.
Genome position (GRCh38, 1-based): chr22:30,950,377, T>G on the plus strand (A>C on the coding strand, the complement: MORC2 is on the minus strand). VCF-style: chr22-30950377-T-G. GRCh37 (hg19) VCF-style: chr22-31346363-T-G.
Other names: c.226A>C, p.Ser76Arg (NM_001303257.2); c.40A>C, p.Ser14Arg (NM_014941.3); short protein forms S14R, S76R.
Identifiers: ClinVar variation 3614393 (VCV003614393.2).